The following is an entry in ClinVar:

NM_032043.3(BRIP1):c.749C>G (p.Thr250Arg)

Gene: BRIP1 (BRCA1 interacting DNA helicase 1; minus strand). Cytogenetic location: 17q23.2.
Variant type: single nucleotide variant.
Coding change: c.749C>G on transcript NM_032043.3 (MANE Select); coding-DNA position 749, C replaced by G.
Protein change: p.Thr250Arg; replaces threonine 250 with arginine.
Molecular consequence: missense variant.
Genome position (GRCh38, 1-based): chr17:61,808,636, G>C on the plus strand (C>G on the coding strand, the complement: BRIP1 is on the minus strand). VCF-style: chr17-61808636-G-C. GRCh37 (hg19) VCF-style: chr17-59885997-G-C.
Other names: short protein forms T250R.
Identifiers: ClinVar variation 461181 (VCV000461181.21), dbSNP rs1555609275, ClinGen allele CA400484990.
Genomic context (GRCh38, chr17:61,808,636, plus strand): 5'-CCTGAATATGCCGTCCTCCGGAGCTCTCTAGTAATCTGAGCAATCTGCTTGTGTGTGCGT[G>C]TCCCAAAATATATTTTGGGTATCTTGGATTTCCCTGTATGATCCTTCTTAATGGTATTCG-3'
Protein context (NP_114432.2, residues 240-260): KSKIPKIYFG[Thr250Arg]RTHKQIAQIT

ClinVar aggregate classification (germline): Uncertain significance. Review status: criteria provided, multiple submitters, no conflicts (2 of 4 stars). 6 submissions from 6 submitters: Uncertain significance (6). Last evaluated 2024-12-12.

Conditions:
Hereditary cancer-predisposing syndrome. Also called: Hereditary neoplastic syndrome; Neoplastic Syndromes, Hereditary; Tumor predisposition; Hereditary Cancer Syndrome. Identifiers: Orphanet 140162, MedGen C0027672, MeSH D009386, MONDO:0015356.
Fanconi anemia complementation group J. Also called: BRIP1-Related Fanconi Anemia. Identifiers: Orphanet 84, MedGen C1836860, MONDO:0012187, OMIM 609054.
Familial cancer of breast. Also called: BREAST CANCER, FAMILIAL; hereditary breast carcinoma; Hereditary breast cancer. Identifiers: Orphanet 227535, MedGen C0346153, MONDO:0016419, OMIM 114480. Disease mechanism: loss of function.

Allele frequency attached by ClinVar (database versions not stated): gnomAD exomes below 0.00001.
gnomAD v4.1: 2 of 1,613,898 alleles (0.00012%); highest among the groups gnomAD compares: Non-Finnish European, 0.00017%; no homozygotes.

Submissions (6):

Ambry Genetics
Classification: Uncertain significance for Hereditary cancer-predisposing syndrome. Last evaluated: 2024-12-12. Review status: criteria provided, single submitter. Criteria: Ambry Variant Classification Scheme 2023. Collection method: clinical testing. Allele origin: germline.
Comment: The p.T250R variant (also known as c.749C>G), located in coding exon 6 of the BRIP1 gene, results from a C to G substitution at nucleotide position 749. The threonine at codon 250 is replaced by arginine, an amino acid with similar properties. This amino acid position is highly conserved in available vertebrate species. In addition, this alteration is predicted to be deleterious by in silico analysis. Since supporting evidence is limited at this time, the clinical significance of this alteration remains unclear.

Labcorp Genetics (formerly Invitae), Labcorp
Classification: Uncertain significance for Familial cancer of breast; Fanconi anemia complementation group J. Last evaluated: 2024-08-31. Review status: criteria provided, single submitter. Criteria: Invitae Variant Classification Sherloc (09022015). Collection method: clinical testing. Allele origin: germline.
Comment: This sequence change replaces threonine, which is neutral and polar, with arginine, which is basic and polar, at codon 250 of the BRIP1 protein (p.Thr250Arg). This variant is not present in population databases (gnomAD no frequency). This variant has not been reported in the literature in individuals affected with BRIP1-related conditions. ClinVar contains an entry for this variant (Variation ID: 461181). Invitae Evidence Modeling of protein sequence and biophysical properties (such as structural, functional, and spatial information, amino acid conservation, physicochemical variation, residue mobility, and thermodynamic stability) indicates that this missense variant is expected to disrupt BRIP1 protein function with a positive predictive value of 80%. In summary, the available evidence is currently insufficient to determine the role of this variant in disease. Therefore, it has been classified as a Variant of Uncertain Significance.

GeneDx
Classification: Uncertain significance. Last evaluated: 2024-04-16. Review status: criteria provided, single submitter. Criteria: GeneDx Variant Classification Process June 2021. Collection method: clinical testing. Allele origin: germline. Affected: yes.
Comment: Not observed at significant frequency in large population cohorts (gnomAD); In silico analysis supports that this missense variant has a deleterious effect on protein structure/function; Has not been previously published as pathogenic or benign to our knowledge; This variant is associated with the following publications: (PMID: 11301010)

Baylor Genetics
Classification: Uncertain significance for Familial cancer of breast. Last evaluated: 2024-01-12. Review status: criteria provided, single submitter. Criteria: ACMG Guidelines, 2015. Collection method: clinical testing. Allele origin: unknown.

Women's Health and Genetics/Laboratory Corporation of America, LabCorp
Classification: Uncertain significance. Last evaluated: 2021-09-08. Review status: criteria provided, single submitter. Criteria: LabCorp Variant Classification Summary - May 2015. Collection method: clinical testing. Allele origin: germline.
Comment: Variant summary: BRIP1 c.749C>G (p.Thr250Arg) results in a non-conservative amino acid change located in the Helicase superfamily 1/2, ATP-binding domain of the encoded protein sequence. Five of five in-silico tools predict a damaging effect of the variant on protein function. The variant was absent in 251170 control chromosomes. The available data on variant occurrences in the general population are insufficient to allow any conclusion about variant significance. To our knowledge, no occurrence of c.749C>G in individuals affected with Hereditary Breast And Ovarian Cancer Syndrome and no experimental evidence demonstrating its impact on protein function have been reported. Three clinical diagnostic laboratories have submitted clinical-significance assessments for this variant to ClinVar after 2014 without evidence for independent evaluation. All laboratories classified the variant as uncertain significance. Based on the evidence outlined above, the variant was classified as uncertain significance.

Institute of Human Genetics, University of Leipzig Medical Center
Classification: Uncertain significance for Familial cancer of breast. Last evaluated: 2019-02-05. Review status: criteria provided, single submitter. Criteria: ACMG Guidelines, 2015. Collection method: clinical testing. Allele origin: germline. Affected: yes. Observed: 1 variant allele.